The following is an entry in ClinVar:

NM_004104.5(FASN):c.4414G>A (p.Val1472Met)

Gene: FASN (fatty acid synthase; minus strand). Cytogenetic location: 17q25.3.
Variant type: single nucleotide variant.
Coding change: c.4414G>A on transcript NM_004104.5 (MANE Select); coding-DNA position 4414, G replaced by A.
Protein change: p.Val1472Met; replaces valine 1472 with methionine.
Molecular consequence: missense variant.
Genome position (GRCh38, 1-based): chr17:82,084,949, C>T on the plus strand (G>A on the coding strand, the complement: FASN is on the minus strand). VCF-style: chr17-82084949-C-T. GRCh37 (hg19) VCF-style: chr17-80042825-C-T.
Other names: short protein forms V1472M.
Identifiers: ClinVar variation 1464727 (VCV001464727.6), dbSNP rs1318973626, ClinGen allele CA401546870.
Genomic context (GRCh38, chr17:82,084,949, plus strand): 5'-CTGCGGAGCCCGGGTCCACCTCCGGGACGTGGGAGGTGCTGCTGAGGTTGGAGAGCAGCA[C>T]ACACCTGGGGGCAGAGGCGGGGAGCTCAGGCTGGGGATGGGGAGGCTGGTGGGGAAGGGG-3'
Protein context (NP_004095.4, residues 1462-1482): REPGGNRLRC[Val1472Met]LLSNLSSTSH

ClinVar aggregate classification (germline): Uncertain significance (1 of 4 stars; one submission).

Conditions:
Epileptic encephalopathy. Identifiers: MedGen C0543888, HP:0200134.

Allele frequency attached by ClinVar (database versions not stated): gnomAD exomes below 0.00001; gnomAD 0.00001.
gnomAD v4.1: 3 of 1,559,734 alleles (0.00019%); highest among the groups gnomAD compares: Admixed American, 0.0039%; no homozygotes.

Submission:

Labcorp Genetics (formerly Invitae), Labcorp
Classification: Uncertain significance for Epileptic encephalopathy. Last evaluated: 2021-12-03. Review status: criteria provided, single submitter. Criteria: Invitae Variant Classification Sherloc (09022015). Collection method: clinical testing. Allele origin: germline.
Comment: In summary, the available evidence is currently insufficient to determine the role of this variant in disease. Therefore, it has been classified as a Variant of Uncertain Significance. This sequence change replaces valine, which is neutral and non-polar, with methionine, which is neutral and non-polar, at codon 1472 of the FASN protein (p.Val1472Met). This variant is not present in population databases (gnomAD no frequency). This variant has not been reported in the literature in individuals affected with FASN-related conditions. Algorithms developed to predict the effect of missense changes on protein structure and function (SIFT, PolyPhen-2, Align-GVGD) all suggest that this variant is likely to be tolerated.